The following is an entry in ClinVar:

ClinVar aggregate classification (germline): Uncertain significance. Review status: criteria provided, multiple submitters, no conflicts (2 of 4 stars). 2 submissions from 2 submitters: Uncertain significance (2). Last evaluated 2025-10-18.

Submissions (2):

Labcorp Genetics (formerly Invitae), Labcorp
Classification: Uncertain significance. Last evaluated: 2025-10-18. Review status: criteria provided, single submitter. Criteria: Invitae Variant Classification Sherloc (09022015). Collection method: clinical testing. Allele origin: germline.
Comment: This sequence change replaces proline, which is neutral and non-polar, with serine, which is neutral and polar, at codon 37 of the TCF3 protein (p.Pro37Ser). This variant is present in population databases (no rsID available, gnomAD 0.007%). This variant has not been reported in the literature in individuals affected with TCF3-related conditions. ClinVar contains an entry for this variant (Variation ID: 3639621). Invitae Evidence Modeling of protein sequence and biophysical properties (such as structural, functional, and spatial information, amino acid conservation, physicochemical variation, residue mobility, and thermodynamic stability) indicates that this missense variant is not expected to disrupt TCF3 protein function with a negative predictive value of 80%. In summary, the available evidence is currently insufficient to determine the role of this variant in disease. Therefore, it has been classified as a Variant of Uncertain Significance.

Blueprint Genetics
Classification: Uncertain significance. Last evaluated: 2021-08-19. Review status: criteria provided, single submitter. Criteria: ACMG Guidelines, 2015. Collection method: clinical testing. Allele origin: germline.

NM_003200.5(TCF3):c.109C>T (p.Pro37Ser)

Gene: TCF3 (transcription factor 3; minus strand). Cytogenetic location: 19p13.3.
Variant type: single nucleotide variant.
Coding change: c.109C>T on transcript NM_003200.5 (MANE Select); coding-DNA position 109, C replaced by T.
Protein change: p.Pro37Ser; replaces proline 37 with serine.
Molecular consequence: missense variant.
Genome position (GRCh38, 1-based): chr19:1,646,391, G>A on the plus strand (C>T on the coding strand, the complement: TCF3 is on the minus strand). VCF-style: chr19-1646391-G-A. GRCh37 (hg19) VCF-style: chr19-1646390-G-A.
Other names: c.109C>T, p.Pro37Ser (NM_001136139.4, NM_001351778.2, NM_001351779.2); short protein forms P37S.
Identifiers: ClinVar variation 3639621 (VCV003639621.3).
Genomic context (GRCh38, chr19:1,646,391, plus strand): 5'-GCTGGCAGGAAGGCGGGGTCCTACCTGAACCTCCGAACTGCGCCCCGGCCAGGGAGGCGG[G>A]CCGGCCCTTCCCGTTGGTGACAGGCAGCGGGAACATCTGCAGGGAGGGGAGGGGAGACGT-3'
Protein context (NP_003191.1, residues 27-47): PLPVTNGKGR[Pro37Ser]ASLAGAQFGG